The following is an entry in ClinVar:

NM_080680.3(COL11A2):c.2431G>T (p.Gly811Trp)

Gene: COL11A2 (collagen type XI alpha 2 chain; minus strand). Cytogenetic location: 6p21.32.
Variant type: single nucleotide variant.
Coding change: c.2431G>T on transcript NM_080680.3 (MANE Select); coding-DNA position 2431, G replaced by T.
Protein change: p.Gly811Trp; replaces glycine 811 with tryptophan.
Molecular consequence: missense variant.
Genome position (GRCh38, 1-based): chr6:33,174,218, C>A on the plus strand (G>T on the coding strand, the complement: COL11A2 is on the minus strand). VCF-style: chr6-33174218-C-A. GRCh37 (hg19) VCF-style: chr6-33141995-C-A.
Other names: c.2251G>T, p.Gly751Trp (NM_001424108.1); c.1585G>T, p.Gly529Trp (NM_001424109.1); c.1405G>T, p.Gly469Trp (NM_001424110.1, NM_001424111.1); c.385G>T, p.Gly129Trp (NM_001424112.1); c.2110G>T, p.Gly704Trp (NM_080679.3); c.2173G>T, p.Gly725Trp (NM_080681.3); short protein forms G751W, G469W, G129W, G704W, G725W, G811W, G529W.
Identifiers: ClinVar variation 2837485 (VCV002837485.3), dbSNP rs2534980664, ClinGen allele CA363643898.

ClinVar aggregate classification (germline): Uncertain significance (1 of 4 stars; one submission).

Submission:

Labcorp Genetics (formerly Invitae), Labcorp
Classification: Uncertain significance. Last evaluated: 2023-02-14. Review status: criteria provided, single submitter. Criteria: Invitae Variant Classification Sherloc (09022015). Collection method: clinical testing. Allele origin: germline.
Comment: This sequence change replaces glycine, which is neutral and non-polar, with tryptophan, which is neutral and slightly polar, at codon 811 of the COL11A2 protein (p.Gly811Trp). This variant is not present in population databases (gnomAD no frequency). In summary, the available evidence is currently insufficient to determine the role of this variant in disease. Therefore, it has been classified as a Variant of Uncertain Significance. An algorithm developed to predict the effect of missense changes on protein structure and function (PolyPhen-2) suggests that this variant is likely to be disruptive. This variant has not been reported in the literature in individuals affected with COL11A2-related conditions.